The following is an entry in ClinVar:

NM_000465.4(BARD1):c.365A>T (p.Asp122Val)

Gene: BARD1 (BRCA1 associated RING domain 1; minus strand). Cytogenetic location: 2q35.
Variant type: single nucleotide variant.
Coding change: c.365A>T on transcript NM_000465.4 (MANE Select); coding-DNA position 365, A replaced by T.
Protein change: p.Asp122Val; replaces aspartic acid 122 with valine.
Molecular consequence: missense variant. On other transcripts: non-coding transcript variant (2), intron variant (3).
Genome position (GRCh38, 1-based): chr2:214,781,509, T>A on the plus strand (A>T on the coding strand, the complement: BARD1 is on the minus strand). VCF-style: chr2-214781509-T-A. GRCh37 (hg19) VCF-style: chr2-215646233-T-A.
Other names: c.308A>T, p.Asp103Val (NM_001282543.2); c.158+27903A>T (NM_001282548.2); c.215+15552A>T (NM_001282545.2); c.364+10788A>T (NM_001282549.2); short protein forms D122V, D103V.
Identifiers: ClinVar variation 482830 (VCV000482830.10), dbSNP rs1553622732, ClinGen allele CA350458417.

ClinVar aggregate classification (germline): Uncertain significance. Review status: criteria provided, multiple submitters, no conflicts (2 of 4 stars). 3 submissions from 3 submitters: Uncertain significance (3). Last evaluated 2023-02-06.

Conditions:
Familial cancer of breast. Also called: BREAST CANCER, FAMILIAL; Hereditary breast cancer; hereditary breast carcinoma. Identifiers: Orphanet 227535, MedGen C0346153, MONDO:0016419, OMIM 114480. Disease mechanism: loss of function.
Hereditary cancer-predisposing syndrome. Also called: Neoplastic Syndromes, Hereditary; Tumor predisposition; Hereditary Cancer Syndrome; Hereditary neoplastic syndrome. Identifiers: Orphanet 140162, MedGen C0027672, MeSH D009386, MONDO:0015356.

Submissions (3):

Labcorp Genetics (formerly Invitae), Labcorp
Classification: Uncertain significance for Familial cancer of breast. Last evaluated: 2023-02-06. Review status: criteria provided, single submitter. Criteria: Invitae Variant Classification Sherloc (09022015). Collection method: clinical testing. Allele origin: germline.
Comment: This variant is not present in population databases (gnomAD no frequency). This sequence change replaces aspartic acid, which is acidic and polar, with valine, which is neutral and non-polar, at codon 122 of the BARD1 protein (p.Asp122Val). This variant has not been reported in the literature in individuals affected with BARD1-related conditions. In summary, the available evidence is currently insufficient to determine the role of this variant in disease. Therefore, it has been classified as a Variant of Uncertain Significance. Algorithms developed to predict the effect of sequence changes on RNA splicing suggest that this variant may disrupt the consensus splice site. Algorithms developed to predict the effect of missense changes on protein structure and function (SIFT, PolyPhen-2, Align-GVGD) all suggest that this variant is likely to be disruptive. ClinVar contains an entry for this variant (Variation ID: 482830).

Color Diagnostics, LLC DBA Color Health
Classification: Uncertain significance for Hereditary cancer-predisposing syndrome. Last evaluated: 2021-03-15. Review status: criteria provided, single submitter. Criteria: ACMG Guidelines, 2015. Collection method: clinical testing. Allele origin: germline.
Comment: This missense variant replaces aspartic acid with valine at codon 122 of the BARD1 protein. Computational prediction suggests that this variant may not impact protein structure and function (internally defined REVEL score threshold <= 0.5, PMID: 27666373). To our knowledge, functional studies have not been reported for this variant. This variant has not been reported in individuals affected with hereditary cancer in the literature. This variant has not been identified in the general population by the Genome Aggregation Database (gnomAD). The available evidence is insufficient to determine the role of this variant in disease conclusively. Therefore, this variant is classified as a Variant of Uncertain Significance.

Ambry Genetics
Classification: Uncertain significance for Hereditary cancer-predisposing syndrome. Last evaluated: 2017-06-30. Review status: criteria provided, single submitter. Criteria: Ambry Variant Classification Scheme 2023. Collection method: clinical testing. Allele origin: germline.
Comment: The p.D122V variant (also known as c.365A>T) is located in coding exon 4 of the BARD1 gene. The aspartic acid at codon 122 is replaced by valine, an amino acid with highly dissimilar properties. This change occurs in the first base pair of coding exon 4. This amino acid position is highly conserved in available vertebrate species. In addition, the in silico prediction for this alteration is inconclusive. Since supporting evidence is limited at this time, the clinical significance of this alteration remains unclear.